The following is an entry in ClinVar:

ClinVar aggregate classification (germline): Likely benign (1 of 4 stars; one submission).

Allele frequency attached by ClinVar (database versions not stated): TOPMed 0.00003; gnomAD 0.00005.
gnomAD v4.1: 54 of 1,614,048 alleles (0.0033%); highest among the groups gnomAD compares: African/African-American, 0.004%; no homozygotes.

Submission:

CeGaT Center for Human Genetics Tuebingen
Classification: Likely benign. Last evaluated: 2022-11-01. Review status: criteria provided, single submitter. Criteria: CeGaT Center For Human Genetics Tuebingen Variant Classification Criteria Version 2. Collection method: clinical testing. Allele origin: germline. Affected: yes. Observed: 1 variant allele.
Comment: RREB1: BP4, BP7

NM_001003699.4(RREB1):c.762C>T (p.Asn254=)

Gene: RREB1 (ras responsive element binding protein 1; plus strand). Cytogenetic location: 6p24.3.
Variant type: single nucleotide variant.
Coding change: c.762C>T on transcript NM_001003699.4 (MANE Select); coding-DNA position 762, C replaced by T.
Protein change: p.Asn254=; no amino-acid change (asparagine 254 retained).
Molecular consequence: synonymous variant.
Genome position (GRCh38, 1-based): chr6:7,226,521, C>T. VCF-style: chr6-7226521-C-T. GRCh37 (hg19) VCF-style: chr6-7226754-C-T.
Other names: c.762C>T, p.Asn254= (NM_001003698.4, NM_001003700.2, NM_001168344.2).
Identifiers: ClinVar variation 2656196 (VCV002656196.24), dbSNP rs547689670, ClinGen allele CA134514737.
Genomic context (GRCh38, chr6:7,226,521, plus strand): 5'-TCCTAGATGTGACATTTGTTGTGTCACCTTTCGAACACATCGAGGACTGCTGCGTCACAA[C>T]GCGCTTGTCCACAAACAACTTCCCAGGGATGCAATGGGCAGACCTTTCATACAGAACAAC-3'
Protein context (NP_001003699.1, residues 244-264): FRTHRGLLRH[Asn254=]ALVHKQLPRD